The following is an entry in ClinVar:

ClinVar aggregate classification (germline): Uncertain significance. Review status: criteria provided, multiple submitters, no conflicts (2 of 4 stars). 6 submissions from 5 submitters: Uncertain significance (6). Last evaluated 2024-12-29.

Conditions:
Inborn genetic diseases. Identifiers: MedGen C0950123, MeSH D030342.
Ectopia lentis et pupillae. Also called: ECTOPIA LENTIS WITH ECTOPIA OF PUPIL. Identifiers: Orphanet 1885, MedGen C1644196, MONDO:0009153, OMIM 225200.
Ectopia lentis 2, isolated, autosomal recessive (ECTOL2). Identifiers: Orphanet 1885, MedGen C3541474, MONDO:0009152, OMIM 225100.

Allele frequency attached by ClinVar (database versions not stated): ESP Exome Variant Server 0.00023; ExAC 0.00029; 1000 Genomes Project 30x 0.00031; TOPMed 0.00032; 1000 Genomes Project 0.00040; gnomAD 0.00040.
gnomAD v4.1: 906 of 1,612,828 alleles (0.056%); highest among the groups gnomAD compares: Non-Finnish European, 0.071%; 1 homozygote.

Submissions (6):

Labcorp Genetics (formerly Invitae), Labcorp
Classification: Uncertain significance. Last evaluated: 2024-12-29. Review status: criteria provided, single submitter. Criteria: Invitae Variant Classification Sherloc (09022015). Collection method: clinical testing. Allele origin: germline.
Comment: This sequence change replaces arginine, which is basic and polar, with glutamine, which is neutral and polar, at codon 896 of the ADAMTSL4 protein (p.Arg896Gln). This variant is present in population databases (rs143576162, gnomAD 0.05%). This variant has not been reported in the literature in individuals affected with ADAMTSL4-related conditions. ClinVar contains an entry for this variant (Variation ID: 1365269). Invitae Evidence Modeling of protein sequence and biophysical properties (such as structural, functional, and spatial information, amino acid conservation, physicochemical variation, residue mobility, and thermodynamic stability) indicates that this missense variant is not expected to disrupt ADAMTSL4 protein function with a negative predictive value of 80%. In summary, the available evidence is currently insufficient to determine the role of this variant in disease. Therefore, it has been classified as a Variant of Uncertain Significance.

CeGaT Center for Human Genetics Tuebingen
Classification: Uncertain significance. Last evaluated: 2024-10-01. Review status: criteria provided, single submitter. Criteria: CeGaT Center For Human Genetics Tuebingen Variant Classification Criteria Version 2. Collection method: clinical testing. Allele origin: germline. Affected: yes. Observed: 1 variant allele.

Ambry Genetics
Classification: Uncertain significance for Inborn genetic diseases. Last evaluated: 2024-02-21. Review status: criteria provided, single submitter. Criteria: Ambry Variant Classification Scheme 2023. Collection method: clinical testing. Allele origin: germline.

Genome-Nilou Lab
Classification: Uncertain significance for Ectopia lentis et pupillae. Last evaluated: 2023-04-11. Review status: criteria provided, single submitter. Criteria: ACMG Guidelines, 2015. Collection method: clinical testing. Allele origin: germline. Affected: no.

Genome-Nilou Lab
Classification: Uncertain significance for Ectopia lentis 2, isolated, autosomal recessive. Last evaluated: 2023-04-11. Review status: criteria provided, single submitter. Criteria: ACMG Guidelines, 2015. Collection method: clinical testing. Allele origin: germline. Affected: no.

Breakthrough Genomics
Classification: Uncertain significance. Review status: criteria provided, single submitter. Criteria: ACMG Guidelines, 2015. Collection method: not provided. Allele origin: germline. Inheritance: Autosomal recessive inheritance. Affected: yes.

NM_019032.6(ADAMTSL4):c.2687G>A (p.Arg896Gln)

Gene: ADAMTSL4 (ADAMTS like 4; plus strand). Cytogenetic location: 1q21.2.
Variant type: single nucleotide variant.
Coding change: c.2687G>A on transcript NM_019032.6 (MANE Select); coding-DNA position 2687, G replaced by A.
Protein change: p.Arg896Gln; replaces arginine 896 with glutamine.
Molecular consequence: missense variant.
Genome position (GRCh38, 1-based): chr1:150,559,089, G>A. VCF-style: chr1-150559089-G-A. GRCh37 (hg19) VCF-style: chr1-150531565-G-A.
Other names: c.2687G>A (NM_019032.5, NM_019032.4); c.2570G>A, p.Arg857Gln (NM_001288607.2); c.2756G>A, p.Arg919Gln (NM_001288608.2); c.2687G>A, p.Arg896Gln (NM_001378596.1); short protein forms R919Q, R857Q, R896Q.
Identifiers: ClinVar variation 1365269 (VCV001365269.21), dbSNP rs143576162, ClinGen allele CA1078804.
Genomic context (GRCh38, chr1:150,559,089, plus strand): 5'-TCGGGCCAGGCCAGGGGGAAGCAGGAGCAGGAACTGGGCAGAGCTGTCCAACAGGAAGCC[G>A]GCCCCCTGACATGCGCGCCTGCAGCCTGGGGCCCTGTGAGAGAACTTGGCGCTGGTACAC-3'
Protein context (NP_061905.2, residues 886-906): GTGQSCPTGS[Arg896Gln]PPDMRACSLG